The following is an entry in ClinVar:

NM_001277115.2(DNAH11):c.2102A>G (p.Asn701Ser)

Gene: DNAH11 (dynein axonemal heavy chain 11; plus strand). Cytogenetic location: 7p15.3.
Variant type: single nucleotide variant.
Coding change: c.2102A>G on transcript NM_001277115.2 (MANE Select); coding-DNA position 2102, A replaced by G.
Protein change: p.Asn701Ser; replaces asparagine 701 with serine.
Molecular consequence: missense variant.
Genome position (GRCh38, 1-based): chr7:21,589,336, A>G. VCF-style: chr7-21589336-A-G. GRCh37 (hg19) VCF-style: chr7-21628954-A-G.
Other names: c.2102A>G (NM_003777.3); short protein forms N701S.
Identifiers: ClinVar variation 643251 (VCV000643251.23), dbSNP rs369770445, ClinGen allele CA4179220.

ClinVar aggregate classification (germline): Conflicting classifications of pathogenicity. Review status: criteria provided, conflicting classifications (1 of 4 stars). 4 submissions from 3 submitters: Uncertain significance (2); Likely benign (1). 1 of the submissions does not count toward it. Last evaluated 2026-01-22.

Conditions:
Primary ciliary dyskinesia. Also called: Ciliary dyskinesia. Identifiers: Orphanet 244, MedGen C0008780, MONDO:0016575, HP:0012265.

Allele frequency attached by ClinVar (database versions not stated): gnomAD exomes 0.00003 and 0.00004; ExAC 0.00007; 1000 Genomes Project 0.00020; gnomAD 0.00020 and 0.00022; TOPMed 0.00020; 1000 Genomes Project 30x 0.00031; ESP Exome Variant Server 0.00034.
gnomAD v4.1: 73 of 1,610,344 alleles (0.0045%); highest among the groups gnomAD compares: African/African-American, 0.077%; no homozygotes.

Submissions (4):

Labcorp Genetics (formerly Invitae), Labcorp
Classification: Likely benign for Primary ciliary dyskinesia. Last evaluated: 2026-01-22. Review status: criteria provided, single submitter. Criteria: Invitae Variant Classification Sherloc (09022015). Collection method: clinical testing. Allele origin: germline.

CeGaT Center for Human Genetics Tuebingen
Classification: Uncertain significance. Last evaluated: 2025-05-01. Review status: criteria provided, single submitter. Criteria: CeGaT Center For Human Genetics Tuebingen Variant Classification Criteria Version 2. Collection method: clinical testing. Allele origin: germline. Affected: yes. Observed: 1 variant allele.
Comment: DNAH11: PM2, BP4

Ambry Genetics
Classification: Uncertain significance for Primary ciliary dyskinesia. Last evaluated: 2015-03-23. Review status: criteria provided, single submitter. Criteria: Ambry Variant Classification Scheme 2023. Collection method: clinical testing. Allele origin: germline.
Comment: The p.N701S variant (also known as c.2102A>G), located in coding exon 12 of the DNAH11 gene, results from an A to G substitution at nucleotide position 2102. The asparagine at codon 701 is replaced by serine, an amino acid with highly similar properties. This variant was previously reported in the SNPDatabase as rs369770445. Based on data from the NHLBI Exome Sequencing Project (ESP), the G allele has an overall frequency of approximately 0.03% (4/11768) total alleles studied, having been observed in 0.11% (4/3622) African American alleles. This amino acid position is well conserved in available vertebrate species. In addition, this alteration is predicted to be tolerated by in silico analysis. Since supporting evidence is limited at this time, the clinical significance of this variant remains unclear

Ambry Genetics
Classification: Uncertain significance for Primary ciliary dyskinesia. Last evaluated: 2022-01-07. Review status: flagged submission. Criteria: Ambry Variant Classification Scheme 2023. Collection method: clinical testing. Allele origin: germline. Not counted in ClinVar's aggregate classification.
ClinVar note: Reason: This record appears to be redundant with a more recent record from the same submitter.
ClinVar note: Notes: SCV003682304 appears to be redundant with SCV002724557.